The following is an entry in ClinVar:

ClinVar aggregate classification (germline): Uncertain significance (1 of 4 stars; one submission).

gnomAD v4.1: 25 of 1,613,982 alleles (0.0015%); highest among the groups gnomAD compares: African/African-American, 0.028%; no homozygotes.

Submission:

Dasa
Classification: Uncertain significance. Last evaluated: 2025-11-21. Review status: criteria provided, single submitter. Criteria: DASA Assertion Criteria. Collection method: clinical testing. Allele origin: germline.
Comment: NM_003235.5(TG):c.5593A>G (p.Ile1865Val) is a missense variant that results in the substitution of isoleucine with valine. This variant is rare in population databases. Computational prediction algorithms are consistent with a benign effect. The currently available literature and clinical evidence are not sufficient to establish a definitive association between this variant and the reported condition. Therefore, this variant is classified as a variant of uncertain significance.

NM_003235.5(TG):c.5593A>G (p.Ile1865Val)

Gene: TG (thyroglobulin; plus strand). Cytogenetic location: 8q24.22.
Variant type: single nucleotide variant.
Coding change: c.5593A>G on transcript NM_003235.5 (MANE Select); coding-DNA position 5593, A replaced by G.
Protein change: p.Ile1865Val; replaces isoleucine 1865 with valine.
Molecular consequence: missense variant.
Genome position (GRCh38, 1-based): chr8:132,966,604, A>G. VCF-style: chr8-132966604-A-G. GRCh37 (hg19) VCF-style: chr8-133978849-A-G.
Other names: short protein forms I1865V.
Identifiers: ClinVar variation 4885077 (VCV004885077.2).